The following is an entry in ClinVar:

NM_001291867.2(NHS):c.1732G>A (p.Glu578Lys)

Gene: NHS (NHS actin remodeling regulator; plus strand). Cytogenetic location: Xp22.13.
Variant type: single nucleotide variant.
Coding change: c.1732G>A on transcript NM_001291867.2 (MANE Select); coding-DNA position 1732, G replaced by A.
Protein change: p.Glu578Lys; replaces glutamic acid 578 with lysine.
Molecular consequence: missense variant.
Genome position (GRCh38, 1-based): chrX:17,725,838, G>A. VCF-style: chrX-17725838-G-A. GRCh37 (hg19) VCF-style: chrX-17743958-G-A.
Other names: c.1201G>A, p.Glu401Lys (NM_001136024.4); c.1138G>A, p.Glu380Lys (NM_001291868.2); c.1669G>A, p.Glu557Lys (NM_198270.4); short protein forms E578K, E380K, E557K, E401K.
Identifiers: ClinVar variation 2717621 (VCV002717621.3), dbSNP rs2519934972, ClinGen allele CA412352845.

ClinVar aggregate classification (germline): Uncertain significance (1 of 4 stars; one submission).

Conditions:
Nance-Horan syndrome (NHS). Identifiers: Orphanet 627, MedGen C0796085, MONDO:0010545, OMIM 302350.

Submission:

Labcorp Genetics (formerly Invitae), Labcorp
Classification: Uncertain significance for Nance-Horan syndrome. Last evaluated: 2025-10-02. Review status: criteria provided, single submitter. Criteria: Invitae Variant Classification Sherloc (09022015). Collection method: clinical testing. Allele origin: germline.
Comment: This sequence change replaces glutamic acid, which is acidic and polar, with lysine, which is basic and polar, at codon 557 of the NHS protein (p.Glu557Lys). This variant is not present in population databases (gnomAD no frequency). This variant has not been reported in the literature in individuals affected with NHS-related conditions. ClinVar contains an entry for this variant (Variation ID: 2717621). Invitae Evidence Modeling of protein sequence and biophysical properties (such as structural, functional, and spatial information, amino acid conservation, physicochemical variation, residue mobility, and thermodynamic stability) indicates that this missense variant is expected to disrupt NHS protein function with a positive predictive value of 80%. In summary, the available evidence is currently insufficient to determine the role of this variant in disease. Therefore, it has been classified as a Variant of Uncertain Significance.